The following is an entry in ClinVar:

ClinVar aggregate classification (germline): Likely pathogenic (1 of 4 stars; one submission).

Conditions:
Glycogen storage disease, type V (GSD5). Also called: MCARDLE DISEASE; MUSCLE GLYCOGEN PHOSPHORYLASE DEFICIENCY; MYOPHOSPHORYLASE DEFICIENCY; PYGM DEFICIENCY; McArdle type glycogen storage disease. Identifiers: Orphanet 368, MedGen C0017924, MONDO:0009293, OMIM 232600.

Submission:

Natera, Inc.
Classification: Likely pathogenic for Glycogen storage disease V. Last evaluated: 2025-12-01. Review status: criteria provided, single submitter. Criteria: Natera Variant Classification Schema (03/2026). Collection method: clinical testing. Allele origin: germline.
Comment: The c.661-2A>C variant in PYGM is a canonical splice acceptor site variant predicted to affect pre-mRNA splicing, which may result in an abnormal transcript and altered protein product. This variant is expected to result in nonsense mediated decay, truncation, or a dysfunctional protein product. This variant is rare in the general population with a frequency below the threshold expected for the associated phenotype(s). Given the available evidence, this variant is classified as Likely Pathogenic.

NM_005609.4(PYGM):c.661-2A>C

Gene: PYGM (glycogen phosphorylase, muscle associated; minus strand). Cytogenetic location: 11q13.1.
Variant type: single nucleotide variant.
Coding change: c.661-2A>C on transcript NM_005609.4 (MANE Select); the canonical splice acceptor site of the intron before coding-DNA position 661, A replaced by C.
Molecular consequence: splice acceptor variant.
Genome position (GRCh38, 1-based): chr11:64,755,560, T>G on the plus strand (A>C on the coding strand, the complement: PYGM is on the minus strand). VCF-style: chr11-64755560-T-G. GRCh37 (hg19) VCF-style: chr11-64523032-T-G.
Other names: c.397-2A>C (NM_001164716.1).
Identifiers: ClinVar variation 4815438 (VCV004815438.1).
Genomic context (GRCh38, chr11:64,755,560, plus strand): 5'-TTGACAACATTGTTGCGATAGCCAGGCACGGGCGTATCGTAGGGCATGGCCAGTACCACC[T>G]GCGGGGGGCAATCCTGTCAGGAGCTGGCCAGCCCTGGCAATTGCCTCCCTCCCCTCAGGG-3'